The following is an entry in ClinVar:

NM_000487.6(ARSA):c.869G>A (p.Arg290His)

Gene: ARSA (arylsulfatase A; minus strand). Cytogenetic location: 22q13.33.
Variant type: single nucleotide variant.
Coding change: c.869G>A on transcript NM_000487.6 (MANE Select); coding-DNA position 869, G replaced by A.
Protein change: p.Arg290His; replaces arginine 290 with histidine.
Molecular consequence: missense variant.
Genome position (GRCh38, 1-based): chr22:50,626,264, C>T on the plus strand (G>A on the coding strand, the complement: ARSA is on the minus strand). VCF-style: chr22-50626264-C-T. GRCh37 (hg19) VCF-style: chr22-51064692-C-T.
Other names: c.869G>A, p.Arg290His (NM_001085425.3, NM_001085426.3, NM_001085427.3); c.611G>A, p.Arg204His (NM_001085428.3, NM_001362782.2); short protein forms R290H, R204H.
Identifiers: ClinVar variation 68153 (VCV000068153.44), dbSNP rs199476355, ClinGen allele CA219062.

ClinVar aggregate classification (germline): Pathogenic/Likely pathogenic. Review status: criteria provided, multiple submitters, no conflicts (2 of 4 stars). 18 submissions from 18 submitters: Pathogenic (10); Likely pathogenic (6). 2 of the submissions do not count toward it. Last evaluated 2026-01-13.

Conditions:
ARSA-related disorder. Also called: ARSA-related condition.
Inborn genetic diseases. Identifiers: MedGen C0950123, MeSH D030342.
Metachromatic leukodystrophy (MLD). Also called: Cerebral sclerosis diffuse metachromatic form; Arylsulfatase A Deficiency; METACHROMATIC LEUKOENCEPHALOPATHY; SULFATIDE LIPIDOSIS; ARSA DEFICIENCY; CEREBROSIDE SULFATASE DEFICIENCY. Identifiers: Orphanet 512, MedGen C0023522, MONDO:0018868, OMIM 250100.

Allele frequency attached by ClinVar (database versions not stated): ESP Exome Variant Server 0.00008; TOPMed 0.00009; gnomAD 0.00011; gnomAD exomes 0.00012; ExAC 0.00013.

Submissions 1 to 11 of 18:

Labcorp Genetics (formerly Invitae), Labcorp
Classification: Pathogenic for Metachromatic leukodystrophy. Last evaluated: 2026-01-13. Review status: criteria provided, single submitter. Criteria: Invitae Variant Classification Sherloc (09022015). Collection method: clinical testing. Allele origin: germline.
Comment: This sequence change replaces arginine, which is basic and polar, with histidine, which is basic and polar, at codon 290 of the ARSA protein (p.Arg290His). This variant is present in population databases (rs199476355, gnomAD 0.02%). This missense change has been observed in individuals with metachromatic leukodystrophy (PMID: 10477432, 12809637, 15139291, 26462614). This variant is also known as R288H. ClinVar contains an entry for this variant (Variation ID: 68153). Invitae Evidence Modeling of protein sequence and biophysical properties (such as structural, functional, and spatial information, amino acid conservation, physicochemical variation, residue mobility, and thermodynamic stability) indicates that this missense variant is expected to disrupt ARSA protein function with a positive predictive value of 95%. Experimental studies are conflicting or provide insufficient evidence to determine the effect of this variant on ARSA function (PMID: 15139291). This variant disrupts the p.Arg290 amino acid residue in ARSA. Other variant(s) that disrupt this residue have been determined to be pathogenic (PMID: 7866401, 16678723, 17560502, 19815439, 26462614). This suggests that this residue is clinically significant, and that variants that disrupt this residue are likely to be disease-causing. For these reasons, this variant has been classified as Pathogenic.

Natera, Inc.
Classification: Pathogenic for Metachromatic leukodystrophy. Last evaluated: 2025-12-28. Review status: criteria provided, single submitter. Criteria: Natera Variant Classification Schema (03/2026). Collection method: clinical testing. Allele origin: germline.
Comment: The c.869G>A variant in ARSA is a missense variant predicted to cause substitution of arginine to histidine at amino acid 290. This variant is rare in the general population with a frequency below the threshold expected for the associated phenotype(s). This variant has been observed in one or more individuals affected with the associated recessive disease, as either homozygous or compound heterozygous with a second variant (PMID: 12809637, 31922725, 10477432). Additionally, this variant has been observed to segregate in affected family members (PMID: 31922725). Given the available evidence, this variant is classified as Pathogenic.

Genomic Medicine Center of Excellence, King Faisal Specialist Hospital and Research Centre
Classification: Pathogenic for Metachromatic leukodystrophy. Last evaluated: 2025-09-10. Review status: criteria provided, single submitter. Criteria: ACMG Guidelines, 2015. Collection method: clinical testing. Allele origin: germline.

Mayo Clinic Laboratories, Mayo Clinic
Classification: Likely pathogenic. Last evaluated: 2025-09-09. Review status: criteria provided, single submitter. Criteria: ACMG Guidelines, 2015. Collection method: clinical testing. Allele origin: germline. Observed: 1 variant allele.
Comment: PP3_moderate, PP4, PM2_supporting, PM3, PM5, PS3_moderate

Variantyx, Inc.
Classification: Likely pathogenic for Metachromatic leukodystrophy. Last evaluated: 2025-08-27. Review status: criteria provided, single submitter. Criteria: Variantyx Assertion Criteria 2022. Collection method: clinical testing. Allele origin: germline. Inheritance: Autosomal recessive inheritance. Affected: no.
Comment: This is a nonsynonymous variant in the ARSA gene (OMIM: 607574). Pathogenic variants in this gene have been associated with autosomal recessive metachromatic leukodystrophy. This variant has been identified in the homozygous or compound heterozygous state in multiple affected, unrelated individuals reported in the published literature (PMID: 26462614, 10477432, 12809637, 15139291), (PM3). Functional studies have shown that this variant alters ARSA protein function (PMID: 10477432, 15139291) (PS3_Moderate), and multiple computational algorithms predict a deleterious effect for this substitution (PP3). Moreover, an alternate amino acid change at this position (reported as p.Arg288Cys) has been previously reported in affected individuals (PMID: 7866401) (PM5). This variant has a 0.0227% maximum allele frequency in non-founder control populations, which is lower than expected for the prevalence of autosomal recessive Metachromatic leukodystrophy (PM2). Based on the current evidence, this variant is classified as likely pathogenic for autosomal recessive metachromatic leukodystrophy.

GeneDx
Classification: Likely pathogenic. Last evaluated: 2024-12-30. Review status: criteria provided, single submitter. Criteria: GeneDx Variant Classification Process June 2021. Collection method: clinical testing. Allele origin: germline. Affected: yes.
Comment: In silico analysis indicates that this missense variant does not alter protein structure/function; Also known as p.R288H; This variant is associated with the following publications: (PMID: 26462614, 12809637, 15139291, 10477432, 31589614, 30609409, 37480112)

Blueprint Genetics
Classification: Pathogenic for ARSA-related disorders. Last evaluated: 2024-11-04. Review status: criteria provided, single submitter. Criteria: ACMG Guidelines, 2015. Collection method: clinical testing. Allele origin: germline. Affected: yes. Observed: 5 variant alleles.

Institute of Human Genetics, University of Leipzig Medical Center
Classification: Pathogenic for Metachromatic leukodystrophy. Last evaluated: 2023-10-13. Review status: criteria provided, single submitter. Criteria: ACMG Guidelines, 2015. Collection method: clinical testing. Allele origin: unknown. Inheritance: Autosomal recessive inheritance. Affected: yes.
Comment: Criteria applied: PM3_VSTR,PM5_STR,PS4_SUP,PM2_SUP,PP3

Ambry Genetics
Classification: Likely pathogenic for Inborn genetic diseases. Last evaluated: 2022-05-12. Review status: criteria provided, single submitter. Criteria: Ambry Variant Classification Scheme 2023. Collection method: clinical testing. Allele origin: germline.
Comment: The c.869G>A (p.R290H) alteration is located in exon 5 (coding exon 5) of the ARSA gene. This alteration results from a G to A substitution at nucleotide position 869, causing the arginine (R) at amino acid position 290 to be replaced by a histidine (H). Based on data from gnomAD, the A allele has an overall frequency of 0.01% (29/248178) total alleles studied. The highest observed frequency was 0.02% (23/112038) of European (non-Finnish) alleles. This alteration has been detected in the homozygous state and as compound heterozygous in trans with other pathogenic ARSA alterations in multiple unrelated individuals with metachromatic leukodystrophy with enzymatic activity levels are reduced to <5% in patient fibroblasts compared to healthy controls (Cesani, 2016; Yaghootfam, 2004; Rafi, 2003; Gort, 1999; Guo, 2020). This amino acid position is highly conserved in available vertebrate species. This alteration is predicted to be deleterious by in silico analysis. Based on the available evidence, this alteration is classified as likely pathogenic.

Revvity Omics, Revvity
Classification: Pathogenic for Metachromatic leukodystrophy. Last evaluated: 2021-04-09. Review status: criteria provided, single submitter. Criteria: ACMG Guidelines, 2015. Collection method: clinical testing. Allele origin: germline.

Laboratory for Molecular Medicine, Mass General Brigham Personalized Medicine
Classification: Pathogenic for Metachromatic leukodystrophy. Last evaluated: 2020-09-11. Review status: criteria provided, single submitter. Criteria: LMM Criteria. Collection method: clinical testing. Allele origin: germline. Inheritance: Autosomal recessive inheritance. Observed: 1 variant allele.
Comment: The p.Arg290His variant in ARSA (also described as p.Arg288His in the literature) has been reported in the compound heterozygous state in at least 5 individuals with metachromatic leukodystrophy (Gort 1999 PMID: 10477432, Rafi 2003 PMID: 12809637, Yaghootfam 2004 PMID:15139291, Cesani 2016 PMID: 26462614), 4 of whom had another disease-causing variant on the other copy of the ARSA gene. In these 4 individuals, the variant occurred on the background (in cis) of a pseudodeficiency allele (Gort 1999 PMID: 10477432, Rafi 2003 PMID: 12809637). This variant has also been reported by other clinical laboratories in ClinVar (Variation ID: 68153) and has been identified in 0.02% (23/112038) of European chromosomes by gnomAD. Although this variant has been seen in the general population, its frequency is low enough to be consistent with a recessive carrier frequency. In vitro functional studies using both patient fibroblasts and cultured cells show that this variant reduces enzyme activity (~2%), supporting an impact on protein function (Gort 1999 PMID: 10477432, Yaghootfam 2004 PMID:15139291). Computational prediction tools and conservation analyses also support an impact the protein. In summary, although additional studies are required to fully establish its clinical significance, this variant meets criteria to be classified as likely pathogenic for autosomal recessive metachromatic leukodystrophy. ACMG/AMP Criteria applied: PM3_Very Strong, PS3_Moderate, PP3.